The following is an entry in ClinVar:

NM_000186.4(CFH):c.1734del (p.Val579fs)

Gene: CFH (complement factor H; plus strand). Cytogenetic location: 1q31.3.
Variant type: Deletion.
Coding change: c.1734del on transcript NM_000186.4 (MANE Select); coding-DNA position 1734, one base deleted (A; older notation c.1734delA).
Protein change: p.Val579fs; shifts the reading frame from valine 579.
Molecular consequence: frameshift variant.
Genome position (GRCh38, 1-based): chr1:196,725,158, A deleted. VCF-style (leftmost placement, unchanged base first): chr1-196725157-TA-T. GRCh37 (hg19) VCF-style: chr1-196694287-TA-T.
Other names: short protein forms V579fs.
Identifiers: ClinVar variation 4291416 (VCV004291416.1).

ClinVar aggregate classification (germline): Pathogenic, low penetrance (1 of 4 stars; one submission).

Conditions:
Atypical hemolytic-uremic syndrome. Identifiers: Orphanet 2134, MedGen C2931788, MONDO:0016244.

Submission:

Genomenon, Inc
Classification: Pathogenic, low penetrance for Atypical hemolytic-uremic syndrome. Last evaluated: 2025-10-02. Review status: criteria provided, single submitter. Criteria: Genomenon Sequence Variant Interpretation Standards - Updated. Collection method: curation. Allele origin: germline. Affected: yes.
Comment: CFH p.Val579PhefsTer15 (c.1734del) is a frameshift variant that results in the production of a truncated protein which is predicted to undergo nonsense-mediated mRNA decay. This variant has been observed in at least one proband affected with atypical hemolytic-uremic syndrome (PMID:30890598). It is absent or not present at a significant frequency in gnomAD. In conclusion, we classify CFH p.Val579PhefsTer15 (c.1734del) as a pathogenic, low penetrance variant.

Literature cited by the submitters: PubMed 30890598.